The following is an entry in ClinVar:

ClinVar aggregate classification (germline): Uncertain significance (1 of 4 stars; one submission).

Submission:

CeGaT Center for Human Genetics Tuebingen
Classification: Uncertain significance. Last evaluated: 2023-03-01. Review status: criteria provided, single submitter. Criteria: CeGaT Center For Human Genetics Tuebingen Variant Classification Criteria Version 2. Collection method: clinical testing. Allele origin: germline. Affected: yes. Observed: 1 variant allele.
Comment: VHL: PM2

NM_000551.4(VHL):c.-62_-43del

Gene: VHL (von Hippel-Lindau tumor suppressor; plus strand). Cytogenetic location: 3p25.3.
Variant type: Deletion.
Coding change: c.-62_-43del on transcript NM_000551.4 (MANE Select); 62 bases upstream of the start codon through 43 bases upstream of the start codon, 20 bases deleted (GCCCCGCGTCCGACCCGCGG).
Molecular consequence: 5 prime UTR variant. On other transcripts: non-coding transcript variant (1).
Genome position (GRCh38, 1-based): chr3:10,141,786-10,141,805, GCCCCGCGTCCGACCCGCGG deleted. VCF-style (leftmost placement, unchanged base first): chr3-10141785-CGCCCCGCGTCCGACCCGCGG-C. GRCh37 (hg19) VCF-style: chr3-10183469-CGCCCCGCGTCCGACCCGCGG-C.
Other names: c.-62_-43del (NM_001354723.2, NM_198156.3).
Identifiers: ClinVar variation 2498921 (VCV002498921.28), dbSNP rs2470156586, ClinGen allele CA2580068372.